The following is an entry in ClinVar:

NM_001358530.2(MOCS1):c.1609C>T (p.Gln537Ter)

Gene: MOCS1 (molybdenum cofactor synthesis 1; minus strand). Cytogenetic location: 6p21.2.
Variant type: single nucleotide variant.
Coding change: c.1609C>T on transcript NM_001358530.2 (MANE Select); coding-DNA position 1609, C replaced by T.
Protein change: p.Gln537Ter; replaces glutamine 537 with a stop codon.
Molecular consequence: nonsense. On other transcripts: 3 prime UTR variant (4), non-coding transcript variant (1).
Genome position (GRCh38, 1-based): chr6:39,906,659, G>A on the plus strand (C>T on the coding strand, the complement: MOCS1 is on the minus strand). VCF-style: chr6-39906659-G-A. GRCh37 (hg19) VCF-style: chr6-39874435-G-A.
Other names: c.*466C>T (NM_001075098.4, NM_001358533.2, NM_001358534.2 and 1 more transcripts); c.1561C>T, p.Gln521Ter (NM_001358529.2); c.1348C>T, p.Gln450Ter (NM_001358531.2); short protein forms Q521*, Q537*, Q450*.
Identifiers: ClinVar variation 2089366 (VCV002089366.4), dbSNP rs2482254273, ClinGen allele CA364039505.

ClinVar aggregate classification (germline): Uncertain significance (1 of 4 stars; one submission).

Conditions:
Sulfite oxidase deficiency due to molybdenum cofactor deficiency type A. Also called: Molybdenum cofactor deficiency, complementation group A; Molybdenum Cofactor Deficiency A. Identifiers: Orphanet 308386, Orphanet 833, MedGen C1854988, MONDO:0009643, OMIM 252150.

Submission:

Labcorp Genetics (formerly Invitae), Labcorp
Classification: Uncertain significance for Sulfite oxidase deficiency due to molybdenum cofactor deficiency type A. Last evaluated: 2022-01-24. Review status: criteria provided, single submitter. Criteria: Invitae Variant Classification Sherloc (09022015). Collection method: clinical testing. Allele origin: germline.
Comment: This sequence change creates a premature translational stop signal (p.Gln537*) in the MOCS1 gene. While this is not anticipated to result in nonsense mediated decay, it is expected to disrupt the last 100 amino acid(s) of the MOCS1 protein. Experimental studies and prediction algorithms are not available or were not evaluated, and the functional significance of this variant is currently unknown. This variant has not been reported in the literature in individuals affected with MOCS1-related conditions. This variant is not present in population databases (gnomAD no frequency). In summary, the available evidence is currently insufficient to determine the role of this variant in disease. Therefore, it has been classified as a Variant of Uncertain Significance.